The following is an entry in ClinVar:

NC_000010.10:g.(?_88811508)_(88822612_?)dup

Gene: GLUD1 (glutamate dehydrogenase 1; minus strand). Cytogenetic location: 10q23.2.
Variant type: Duplication.
Identifiers: ClinVar variation 1436788 (VCV001436788.4).

ClinVar aggregate classification (germline): Uncertain significance (1 of 4 stars; one submission).

Conditions:
Hyperinsulinism-hyperammonemia syndrome (HHF6). Identifiers: Orphanet 35878, MedGen C1847555, MONDO:0011717, OMIM 606762.

Submission:

Labcorp Genetics (formerly Invitae), Labcorp
Classification: Uncertain significance for Hyperinsulinism-hyperammonemia syndrome. Last evaluated: 2021-02-03. Review status: criteria provided, single submitter. Criteria: Invitae Variant Classification Sherloc (09022015). Collection method: clinical testing. Allele origin: germline.
Comment: In summary, the available evidence is currently insufficient to determine the role of this variant in disease. Therefore, it has been classified as a Variant of Uncertain Significance. Experimental studies and prediction algorithms are not available or were not evaluated, and the functional significance of this variant is currently unknown. This variant has not been reported in the literature in individuals with GLUD1-related conditions. This variant results in a copy number gain of the genomic region encompassing exon(s) 6-13 of the GLUD1 gene. The 5' boundary is likely confined to intron 5. The 3' end of this event is unknown as it extends beyond the assayed region for this gene and therefore may encompass additional genes. As the precise location of this event is unknown, it may be in tandem or it may be located elsewhere in the genome.